The following is an entry in ClinVar:

ClinVar aggregate classification (germline): Uncertain significance (1 of 4 stars; one submission).

Conditions:
Epileptic encephalopathy. Identifiers: MedGen C0543888, HP:0200134.

Submission:

Labcorp Genetics (formerly Invitae), Labcorp
Classification: Uncertain significance for Epileptic encephalopathy. Last evaluated: 2020-02-12. Review status: criteria provided, single submitter. Criteria: Invitae Variant Classification Sherloc (09022015). Collection method: clinical testing. Allele origin: germline.
Comment: This sequence change replaces alanine with threonine at codon 727 of the FASN protein (p.Ala727Thr). The alanine residue is highly conserved and there is a small physicochemical difference between alanine and threonine. This variant is not present in population databases (ExAC no frequency). This variant has not been reported in the literature in individuals with FASN-related conditions. Algorithms developed to predict the effect of missense changes on protein structure and function are either unavailable or do not agree on the potential impact of this missense change (SIFT: "Deleterious"; PolyPhen-2: "Probably Damaging"; Align-GVGD: "Class C0"). In summary, the available evidence is currently insufficient to determine the role of this variant in disease. Therefore, it has been classified as a Variant of Uncertain Significance.

NM_004104.5(FASN):c.2179G>A (p.Ala727Thr)

Gene: FASN (fatty acid synthase; minus strand). Cytogenetic location: 17q25.3.
Variant type: single nucleotide variant.
Coding change: c.2179G>A on transcript NM_004104.5 (MANE Select); coding-DNA position 2179, G replaced by A.
Protein change: p.Ala727Thr; replaces alanine 727 with threonine.
Molecular consequence: missense variant.
Genome position (GRCh38, 1-based): chr17:82,089,094, C>T on the plus strand (G>A on the coding strand, the complement: FASN is on the minus strand). VCF-style: chr17-82089094-C-T. GRCh37 (hg19) VCF-style: chr17-80046970-C-T.
Other names: short protein forms A727T.
Identifiers: ClinVar variation 1022121 (VCV001022121.9), dbSNP rs2034157106, ClinGen allele CA401558508.